The following is an entry in ClinVar:

NM_022455.5(NSD1):c.1604T>A (p.Leu535Gln)

Gene: NSD1 (nuclear receptor binding SET domain protein 1; plus strand). Cytogenetic location: 5q35.3.
Variant type: single nucleotide variant.
Coding change: c.1604T>A on transcript NM_022455.5 (MANE Select); coding-DNA position 1604, T replaced by A.
Protein change: p.Leu535Gln; replaces leucine 535 with glutamine.
Molecular consequence: missense variant.
Genome position (GRCh38, 1-based): chr5:177,210,003, T>A. VCF-style: chr5-177210003-T-A. GRCh37 (hg19) VCF-style: chr5-176637004-T-A.
Other names: c.731T>A, p.Leu244Gln (NM_001365684.2, NM_001409306.1, NM_001409307.1 and 3 more transcripts); c.1604T>A, p.Leu535Gln (NM_001409301.1, NM_001409302.1, NM_001409303.1); c.1184T>A, p.Leu395Gln (NM_001409304.1); c.851T>A, p.Leu284Gln (NM_001409305.1); short protein forms L244Q, L284Q, L535Q, L395Q.
Identifiers: ClinVar variation 5008207 (VCV005008207.1).

ClinVar aggregate classification (germline): Uncertain significance (1 of 4 stars; one submission).

gnomAD v4.1: 1 of 1,614,138 alleles (0.000062%); highest among the groups gnomAD compares: African/African-American, 0.0013%; no homozygotes.

Submission:

GeneDx
Classification: Uncertain significance. Last evaluated: 2026-02-19. Review status: criteria provided, single submitter. Criteria: GeneDx Variant Classification Process June 2021. Collection method: clinical testing. Allele origin: germline.
Comment: Not observed at significant frequency in large population cohorts (gnomAD); In silico analysis suggests that this missense variant does not alter protein structure/function; Has not been previously published as pathogenic or benign to our knowledge